The following is an entry in ClinVar:

NM_001134407.3(GRIN2A):c.4065del (p.Lys1355fs)

Gene: GRIN2A (glutamate ionotropic receptor NMDA type subunit 2A; minus strand). Cytogenetic location: 16p13.2.
Variant type: Deletion.
Coding change: c.4065del on transcript NM_001134407.3 (MANE Select); coding-DNA position 4065, one base deleted (G; older notation c.4065delG).
Protein change: p.Lys1355fs; shifts the reading frame from lysine 1355.
Molecular consequence: frameshift variant. On other transcripts: intron variant (1).
Genome position (GRCh38, 1-based): chr16:9,763,479, C deleted on the plus strand (G on the coding strand, the reverse complement: GRIN2A is on the minus strand). VCF-style (leftmost placement, unchanged base first): chr16-9763478-AC-A. GRCh37 (hg19) VCF-style: chr16-9857335-AC-A.
Other names: c.4065del, p.Lys1355fs (NM_000833.5); c.3773-51del (NM_001134408.2); short protein forms K1355fs.
Identifiers: ClinVar variation 4833013 (VCV004833013.1).

ClinVar aggregate classification (germline): Uncertain significance (1 of 4 stars; one submission).

Conditions:
Inborn genetic diseases. Identifiers: MedGen C0950123, MeSH D030342.

Submission:

Ambry Genetics
Classification: Uncertain significance for Inborn genetic diseases. Last evaluated: 2026-01-07. Review status: criteria provided, single submitter. Criteria: Ambry Variant Classification Scheme 2023. Collection method: clinical testing. Allele origin: germline.
Comment: The c.4065delG (p.K1355Nfs*42) alteration, located in exon 14 (coding exon 12) of the GRIN2A gene, consists of a deletion of one nucleotide at position 4065, causing a translational frameshift with a predicted alternate stop codon after 42 amino acids. This variant is not expected to trigger nonsense-mediated mRNA decay, and impacts the last 7.5% of the protein. The exact functional effect of this alteration is unknown. This variant was not reported in population-based cohorts in the Genome Aggregation Database (gnomAD). Based on insufficient or conflicting evidence, the clinical significance of this alteration remains unclear.